The following is an entry in ClinVar:

ClinVar aggregate classification (germline): Uncertain significance (1 of 4 stars; one submission).

Submission:

Women's Health and Genetics/Laboratory Corporation of America, LabCorp
Classification: Uncertain significance. Last evaluated: 2025-10-22. Review status: criteria provided, single submitter. Criteria: LabCorp Variant Classification Summary - May 2015. Collection method: clinical testing. Allele origin: germline.
Comment: Variant summary: COL4A5 c.2215C>T (p.Pro739Ser) results in a non-conservative amino acid change in the encoded protein sequence. Algorithms developed to predict the effect of missense changes on protein structure and function all suggest that this variant is likely to be disruptive. The variant was absent in 151506 control chromosomes. The available data on variant occurrences in the general population are insufficient to allow any conclusion about variant significance. c.2215C>T has been observed in individuals affected with either end stage real disease or unilateral auditory hearing loss (Cheong_2000, Song_2021). These report(s) do not provide unequivocal conclusions about association of the variant with Alport Syndrome 1, X-Linked Recessive. To our knowledge, no experimental evidence demonstrating an impact on protein function has been reported. The following publications have been ascertained in the context of this evaluation (PMID: 10684360, 34175691). No submitters have cited clinical-significance assessments for this variant to ClinVar. Based on the evidence outlined above, the variant was classified as uncertain significance.

Literature cited by the submitters: PubMed 10684360; PubMed 34175691.

NM_033380.3(COL4A5):c.2215C>T (p.Pro739Ser)

Gene: COL4A5 (collagen type IV alpha 5 chain; plus strand). Cytogenetic location: Xq22.3.
Variant type: single nucleotide variant.
Coding change: c.2215C>T on transcript NM_033380.3 (MANE Select); coding-DNA position 2215, C replaced by T.
Protein change: p.Pro739Ser; replaces proline 739 with serine.
Molecular consequence: missense variant.
Genome position (GRCh38, 1-based): chrX:108,603,032, C>T. VCF-style: chrX-108603032-C-T. GRCh37 (hg19) VCF-style: chrX-107846262-C-T.
Other names: c.2215C>T, p.Pro739Ser (NM_000495.5); short protein forms P739S.
Identifiers: ClinVar variation 4687847 (VCV004687847.1), dbSNP rs104886164.